The following is an entry in ClinVar:

ClinVar aggregate classification (germline): Uncertain significance (1 of 4 stars; one submission).

gnomAD v4.1: 26 of 1,612,956 alleles (0.0016%); highest among the groups gnomAD compares: East Asian, 0.0045%; no homozygotes.

Submission:

Ambry Genetics
Classification: Uncertain significance. Last evaluated: 2024-12-25. Review status: criteria provided, single submitter. Criteria: Ambry Variant Classification Scheme 2023. Collection method: clinical testing. Allele origin: germline.
Comment: The p.V889I variant (also known as c.2665G>A), located in coding exon 11 of the WNK2 gene, results from a G to A substitution at nucleotide position 2665. The valine at codon 889 is replaced by isoleucine, an amino acid with highly similar properties. This amino acid position is conserved. In addition, this alteration is predicted to be tolerated by in silico analysis. Based on the available evidence, the clinical significance of this variant remains unclear.

NM_006648.4(WNK2):c.2665G>A (p.Val889Ile)

Gene: WNK2 (WNK lysine deficient protein kinase 2; plus strand). Cytogenetic location: 9q22.31.
Variant type: single nucleotide variant.
Coding change: c.2665G>A on transcript NM_006648.4 (MANE Select); coding-DNA position 2665, G replaced by A.
Protein change: p.Val889Ile; replaces valine 889 with isoleucine.
Molecular consequence: missense variant.
Genome position (GRCh38, 1-based): chr9:93,259,213, G>A. VCF-style: chr9-93259213-G-A. GRCh37 (hg19) VCF-style: chr9-96021495-G-A.
Other names: c.2665G>A, p.Val889Ile (NM_001282394.3); short protein forms V889I.
Identifiers: ClinVar variation 3816623 (VCV003816623.1).